The following is an entry in ClinVar:

ClinVar aggregate classification (germline): Uncertain significance (1 of 4 stars; one submission).

gnomAD v4.1: 11 of 1,537,070 alleles (0.00072%); highest among the groups gnomAD compares: Admixed American, 0.0039%; no homozygotes.

Submission:

GeneDx
Classification: Uncertain significance. Last evaluated: 2025-07-11. Review status: criteria provided, single submitter. Criteria: GeneDx Variant Classification Process June 2021. Collection method: clinical testing. Allele origin: germline. Affected: yes.
Comment: Not observed at significant frequency in large population cohorts (gnomAD); In silico analysis supports that this missense variant has a deleterious effect on protein structure/function; Has not been previously published as pathogenic or benign to our knowledge

NM_001256071.3(RNF213):c.4381C>T (p.Arg1461Trp)

Gene: RNF213 (ring finger protein 213; plus strand). Cytogenetic location: 17q25.3.
Variant type: single nucleotide variant.
Coding change: c.4381C>T on transcript NM_001256071.3 (MANE Select); coding-DNA position 4381, C replaced by T.
Protein change: p.Arg1461Trp; replaces arginine 1461 with tryptophan.
Molecular consequence: missense variant.
Genome position (GRCh38, 1-based): chr17:80,336,232, C>T. VCF-style: chr17-80336232-C-T. GRCh37 (hg19) VCF-style: chr17-78310032-C-T.
Other names: c.4528C>T, p.Arg1510Trp (NM_001410195.1, NM_020914.5); short protein forms R1461W, R1510W.
Identifiers: ClinVar variation 4685044 (VCV004685044.1).